The following is an entry in ClinVar:

NM_001001433.3(STX16):c.-25A>C

Genes: STX16 (syntaxin 16; plus strand), STX16-NPEPL1 (STX16-NPEPL1 readthrough (NMD candidate); plus strand). Cytogenetic location: 20q13.32.
Variant type: single nucleotide variant.
Coding change: c.-25A>C on transcript NM_001001433.3 (MANE Select); 25 bases upstream of the start codon, A replaced by C.
Molecular consequence: 5 prime UTR variant. On other transcripts: non-coding transcript variant (2), intron variant (1).
Genome position (GRCh38, 1-based): chr20:58,651,982, A>C. VCF-style: chr20-58651982-A-C. GRCh37 (hg19) VCF-style: chr20-57227038-A-C.
Other names: c.-25A>C (NM_001134772.3, NM_001134773.3, NM_003763.6); c.-93-91A>C (NM_001204868.2).
Identifiers: ClinVar variation 897288 (VCV000897288.4), dbSNP rs368579447, ClinGen allele CA9925141.

ClinVar aggregate classification (germline): Benign (1 of 4 stars; one submission).

Conditions:
Pseudohypoparathyroidism type 1B (PHP1B). Also called: Pseudohypoparathyroidism Ib (PHP-Ib); Pseudohypoparathyroidism Type IB; PHP IB. Identifiers: Orphanet 94089, MedGen C1864100, MONDO:0011301, OMIM 603233.

Allele frequency attached by ClinVar (database versions not stated): gnomAD 0.00006 and 0.00015; TOPMed 0.00006; ESP Exome Variant Server 0.00008; 1000 Genomes Project 30x 0.00031; 1000 Genomes Project 0.00040; ExAC 0.00056; gnomAD exomes 0.00060.
gnomAD v4.1: 458 of 1,612,518 alleles (0.028%); highest among the groups gnomAD compares: South Asian, 0.35%; 7 homozygotes.

Submission:

Illumina Laboratory Services, Illumina
Classification: Benign for Pseudohypoparathyroidism type 1B. Last evaluated: 2018-01-13. Review status: criteria provided, single submitter. Criteria: ICSL Variant Classification Criteria 13 December 2019. Collection method: clinical testing. Allele origin: germline.
Comment: This variant was observed in the ICSL laboratory as part of a predisposition screen in an ostensibly healthy population. It had not been previously curated by ICSL or reported in the Human Gene Mutation Database (HGMD: prior to June 1st, 2018), and was therefore a candidate for classification through an automated scoring system. Utilizing variant allele frequency, disease prevalence and penetrance estimates, and inheritance mode, an automated score was calculated to assess if this variant is too frequent to cause the disease. Based on the score and internal cut-off values, a variant classified as benign is not then subjected to further curation. The score for this variant resulted in a classification of benign for this disease.